The following is an entry in ClinVar:

ClinVar aggregate classification (germline): Uncertain significance (1 of 4 stars; one submission).

Conditions:
Candidiasis, familial, 9 (CANDF9). Identifiers: Orphanet 1334, MedGen C4225324, MONDO:0014642, OMIM 616445.

Submission:

Labcorp Genetics (formerly Invitae), Labcorp
Classification: Uncertain significance for Candidiasis, familial, 9. Last evaluated: 2025-09-29. Review status: criteria provided, single submitter. Criteria: Invitae Variant Classification Sherloc (09022015). Collection method: clinical testing. Allele origin: germline.
Comment: This sequence change creates a premature translational stop signal (p.Pro317Glnfs*9) in the IL17RC gene. It is expected to result in an absent or disrupted protein product. However, the current clinical and genetic evidence is not sufficient to establish whether loss-of-function variants in IL17RC cause disease. The frequency data for this variant in the population databases is considered unreliable, as metrics indicate poor data quality at this position in the gnomAD database. This variant has not been reported in the literature in individuals affected with IL17RC-related conditions. ClinVar contains an entry for this variant (Variation ID: 2421286). In summary, the available evidence is currently insufficient to determine the role of this variant in disease. Therefore, it has been classified as a Variant of Uncertain Significance.

NM_153460.4(IL17RC):c.737del (p.Pro246fs)

Gene: IL17RC (interleukin 17 receptor C; plus strand). Cytogenetic location: 3p25.3.
Variant type: Deletion.
Coding change: c.737del on transcript NM_153460.4 (MANE Select); coding-DNA position 737, one base deleted (C; older notation c.737delC).
Protein change: p.Pro246fs; shifts the reading frame from proline 246.
Molecular consequence: frameshift variant. On other transcripts: non-coding transcript variant (1), intron variant (1).
Genome position (GRCh38, 1-based): chr3:9,923,995, C deleted; the last of 6 consecutive C bases (chr3:9,923,990-9,923,995); deleting any one gives the same sequence. VCF-style (leftmost placement, unchanged base first): chr3-9923989-GC-G. GRCh37 (hg19) VCF-style: chr3-9965673-GC-G.
Other names: c.737del, p.Pro246fs (NM_001203263.2, NM_001203264.2); c.692del, p.Pro231fs (NM_001203265.2, NM_001367280.1, NM_032732.6); c.617del, p.Pro206fs (NM_001367279.1); c.692delC, p.Pro231Glnfs (NM_001410711.1); c.950del, p.Pro317fs (NM_153461.4); c.723+14del (NM_001367278.1); short protein forms P206fs, P231fs, P246fs, P317fs.
Identifiers: ClinVar variation 2421286 (VCV002421286.6), dbSNP rs766157939, ClinGen allele CA2246938.